The following is an entry in ClinVar:

NM_000465.4(BARD1):c.1467C>T (p.Thr489=)

Gene: BARD1 (BRCA1 associated RING domain 1; minus strand). Cytogenetic location: 2q35.
Variant type: single nucleotide variant.
Coding change: c.1467C>T on transcript NM_000465.4 (MANE Select); coding-DNA position 1467, C replaced by T.
Protein change: p.Thr489=; no amino-acid change (threonine 489 retained).
Molecular consequence: synonymous variant. On other transcripts: non-coding transcript variant (3), intron variant (3).
Genome position (GRCh38, 1-based): chr2:214,767,583, G>A on the plus strand (C>T on the coding strand, the complement: BARD1 is on the minus strand). VCF-style: chr2-214767583-G-A. GRCh37 (hg19) VCF-style: chr2-215632307-G-A.
Other names: c.1410C>T, p.Thr470= (NM_001282543.2); c.159-15028C>T (NM_001282548.2); c.216-15028C>T (NM_001282545.2); c.364+24714C>T (NM_001282549.2).
Identifiers: ClinVar variation 1027599 (VCV001027599.14), dbSNP rs1694271621, ClinGen allele CA431129533.

ClinVar aggregate classification (germline): Benign/Likely benign. Review status: criteria provided, multiple submitters, no conflicts (2 of 4 stars). 4 submissions from 4 submitters: Benign (1); Likely benign (3). Last evaluated 2024-07-25.

Conditions:
Hereditary cancer-predisposing syndrome. Also called: Neoplastic Syndromes, Hereditary; Tumor predisposition; Hereditary Cancer Syndrome; Hereditary neoplastic syndrome. Identifiers: Orphanet 140162, MedGen C0027672, MeSH D009386, MONDO:0015356.
Familial cancer of breast. Also called: Hereditary breast cancer; hereditary breast carcinoma; BREAST CANCER, FAMILIAL. Identifiers: Orphanet 227535, MedGen C0346153, MONDO:0016419, OMIM 114480. Disease mechanism: loss of function.

Allele frequency attached by ClinVar (database versions not stated): gnomAD exomes below 0.00001.
gnomAD v4.1: 1 of 1,613,972 alleles (0.000062%); highest among the groups gnomAD compares: Admixed American, 0.0017%; no homozygotes.

Submissions (4):

Myriad Genetics, Inc.
Classification: Benign for Familial cancer of breast. Last evaluated: 2024-07-25. Review status: criteria provided, single submitter. Criteria: Myriad Autosomal Dominant, Autosomal Recessive and X-Linked Classification Criteria (2023). Collection method: clinical testing. Allele origin: unknown.
Comment: This variant is considered benign. This variant is a silent/synonymous amino acid change and it is not expected to impact splicing.

Labcorp Genetics (formerly Invitae), Labcorp
Classification: Likely benign for Familial cancer of breast. Last evaluated: 2023-03-09. Review status: criteria provided, single submitter. Criteria: Invitae Variant Classification Sherloc (09022015). Collection method: clinical testing. Allele origin: germline.

Women's Health and Genetics/Laboratory Corporation of America, LabCorp
Classification: Likely benign. Last evaluated: 2021-03-06. Review status: criteria provided, single submitter. Criteria: LabCorp Variant Classification Summary - May 2015. Collection method: clinical testing. Allele origin: germline.

Ambry Genetics
Classification: Likely benign for Hereditary cancer-predisposing syndrome. Last evaluated: 2019-10-28. Review status: criteria provided, single submitter. Criteria: Ambry Variant Classification Scheme 2023. Collection method: clinical testing. Allele origin: germline.